The following is an entry in ClinVar:

ClinVar aggregate classification (germline): Likely pathogenic (1 of 4 stars; one submission).

Submission:

GeneDx
Classification: Likely pathogenic. Last evaluated: 2026-01-19. Review status: criteria provided, single submitter. Criteria: GeneDx Variant Classification Process June 2021. Collection method: clinical testing. Allele origin: germline.
Comment: Not observed at significant frequency in large population cohorts (gnomAD); In silico analysis supports that this missense variant has a deleterious effect on protein structure/function; Has not been previously published as pathogenic or benign in assocation with KCNC1-related phenotype to our knowledge; This variant is associated with the following publications: (PMID: 25401298)

NM_001112741.2(KCNC1):c.932G>A (p.Arg311His)

Gene: KCNC1 (potassium voltage-gated channel subfamily C member 1; plus strand). Cytogenetic location: 11p15.1.
Variant type: single nucleotide variant.
Coding change: c.932G>A on transcript NM_001112741.2 (MANE Select); coding-DNA position 932, G replaced by A.
Protein change: p.Arg311His; replaces arginine 311 with histidine.
Molecular consequence: missense variant.
Genome position (GRCh38, 1-based): chr11:17,772,026, G>A. VCF-style: chr11-17772026-G-A. GRCh37 (hg19) VCF-style: chr11-17793573-G-A.
Other names: c.932G>A, p.Arg311His (NM_004976.4); short protein forms R311H.
Identifiers: ClinVar variation 3392820 (VCV003392820.2).
Genomic context (GRCh38, chr11:17,772,026, plus strand): 5'-TGGAGGTGGGGCTGAGCGGCCTGTCCTCCAAGGCAGCCAAGGACGTGCTGGGCTTCCTGC[G>A]CGTCGTCCGCTTCGTGCGCATCTTGCGCATCTTTAAGCTGACCCGCCACTTTGTGGGCCT-3'
Protein context (NP_001106212.1, residues 301-321): KAAKDVLGFL[Arg311His]VVRFVRILRI